The following is an entry in ClinVar:

NM_017570.5(OPLAH):c.1039C>G (p.Leu347Val)

Gene: OPLAH (5-oxoprolinase, ATP-hydrolysing; minus strand). Cytogenetic location: 8q24.3.
Variant type: single nucleotide variant.
Coding change: c.1039C>G on transcript NM_017570.5 (MANE Select); coding-DNA position 1039, C replaced by G.
Protein change: p.Leu347Val; replaces leucine 347 with valine.
Molecular consequence: missense variant.
Genome position (GRCh38, 1-based): chr8:144,058,059, G>C on the plus strand (C>G on the coding strand, the complement: OPLAH is on the minus strand). VCF-style: chr8-144058059-G-C. GRCh37 (hg19) VCF-style: chr8-145112962-G-C.
Other names: short protein forms L347V.
Identifiers: ClinVar variation 1471915 (VCV001471915.5), dbSNP rs181530163, ClinGen allele CA4932038.

ClinVar aggregate classification (germline): Uncertain significance (1 of 4 stars; one submission).

Conditions:
5-Oxoprolinase deficiency (OPLAHD). Also called: 5-OXOPROLINURIA DUE TO 5-OXOPROLINASE DEFICIENCY. Identifiers: Orphanet 33572, MedGen C0268525, MONDO:0009825, OMIM 260005, HP:0040142.

Allele frequency attached by ClinVar (database versions not stated): gnomAD 0.00034 and 0.00037; 1000 Genomes Project 30x 0.00047; 1000 Genomes Project 0.00060; TOPMed 0.00070.

Submission:

Labcorp Genetics (formerly Invitae), Labcorp
Classification: Uncertain significance for 5-Oxoprolinase deficiency. Last evaluated: 2022-04-10. Review status: criteria provided, single submitter. Criteria: Invitae Variant Classification Sherloc (09022015). Collection method: clinical testing. Allele origin: germline.
Comment: This sequence change replaces leucine, which is neutral and non-polar, with valine, which is neutral and non-polar, at codon 347 of the OPLAH protein (p.Leu347Val). This variant is present in population databases (rs181530163, gnomAD 0.02%). This variant has not been reported in the literature in individuals affected with OPLAH-related conditions. Algorithms developed to predict the effect of missense changes on protein structure and function are either unavailable or do not agree on the potential impact of this missense change (SIFT: "Not Available"; PolyPhen-2: "Probably Damaging"; Align-GVGD: "Not Available"). Algorithms developed to predict the effect of sequence changes on RNA splicing suggest that this variant may create or strengthen a splice site. In summary, the available evidence is currently insufficient to determine the role of this variant in disease. Therefore, it has been classified as a Variant of Uncertain Significance.